The following is an entry in ClinVar:

NM_007294.4(BRCA1):c.5530del (p.Leu1844fs)

Gene: BRCA1 (BRCA1 DNA repair associated; minus strand). Cytogenetic location: 17q21.31.
Variant type: Deletion.
Coding change: c.5530del on transcript NM_007294.4 (MANE Select); coding-DNA position 5530, one base deleted (C; older notation c.5530delC).
Protein change: p.Leu1844fs; shifts the reading frame from leucine 1844.
Molecular consequence: frameshift variant. On other transcripts: 3 prime UTR variant (1), non-coding transcript variant (1).
Genome position (GRCh38, 1-based): chr17:43,045,740, G deleted on the plus strand (C on the coding strand, the reverse complement: BRCA1 is on the minus strand). VCF-style (leftmost placement, unchanged base first): chr17-43045739-AG-A. GRCh37 (hg19) VCF-style: chr17-41197756-AG-A.
Other names: p.Leu1844Serfs*11; c.5317delC, p.Leu1773Serfs (NM_001407571.1, NM_001407894.1, NM_001407895.1 and 12 more transcripts); c.5596delC, p.Leu1866Serfs (NM_001407581.1, NM_001407582.1); c.5593delC, p.Leu1865Serfs (NM_001407583.1, NM_001407585.1, NM_001407587.1); c.5590delC, p.Leu1864Serfs (NM_001407590.1, NM_001407591.1); c.5530delC, p.Leu1844Serfs (NM_001407593.1, NM_001407594.1, NM_001407596.1 and 5 more transcripts); c.5527delC, p.Leu1843Serfs (NM_001407610.1, NM_001407611.1, NM_001407612.1 and 14 more transcripts); c.5524delC, p.Leu1842Serfs (NM_001407627.1, NM_001407628.1, NM_001407629.1 and 13 more transcripts); and 78 more; short protein forms L1797fs, L1844fs, L1865fs, L740fs.
Identifiers: ClinVar variation 2503103 (VCV002503103.5), dbSNP rs2545969608, ClinGen allele CA2499224340.

ClinVar aggregate classification (germline): Pathogenic/Likely pathogenic. Review status: criteria provided, multiple submitters, no conflicts (2 of 4 stars). 4 submissions from 4 submitters: Pathogenic (2); Likely pathogenic (1). 1 of the submissions does not count toward it. Last evaluated 2025-09-10.

Conditions:
BRCA1-related disorder. Also called: BRCA1-related condition.
Breast-ovarian cancer, familial, susceptibility to, 1 (BROVCA1). Also called: BRCA1 Hereditary Breast and Ovarian Cancer; OVARIAN CANCER, SUSCEPTIBILITY TO. Identifiers: Orphanet 145, MedGen C2676676, MONDO:0011450, OMIM 604370. Disease mechanism: loss of function.

Submissions (4):

Genomic Medicine Center of Excellence, King Faisal Specialist Hospital and Research Centre
Classification: Likely pathogenic for Breast-ovarian cancer, familial, susceptibility to, 1. Last evaluated: 2025-09-10. Review status: criteria provided, single submitter. Criteria: ACMG Guidelines, 2015. Collection method: clinical testing. Allele origin: germline.

Mayo Clinic Laboratories, Mayo Clinic
Classification: Pathogenic. Last evaluated: 2025-06-06. Review status: criteria provided, single submitter. Criteria: ACMG Guidelines, 2015. Collection method: clinical testing. Allele origin: germline. Observed: 1 variant allele.
Comment: PM2_supporting, PM5_strong, PVS1

Blueprint Genetics
Classification: Pathogenic for BRCA1-related disorders. Last evaluated: 2024-09-19. Review status: criteria provided, single submitter. Criteria: ACMG Guidelines, 2015. Collection method: clinical testing. Allele origin: germline. Affected: yes. Observed: 1 variant allele.

KCCC/NGS Laboratory, Kuwait Cancer Control Center
Classification: Pathogenic for Breast-ovarian cancer, familial, susceptibility to, 1. Last evaluated: 2023-05-05. Review status: no assertion criteria provided. Collection method: clinical testing. Allele origin: germline. Affected: yes. Not counted in ClinVar's aggregate classification.
Comment: A variant was detected in the BRCA1 gene (c.5530delC). This sequence change results in a premature translational stop signal in the BRCA1 gene (p.Leu1844Serfs*11). While this is not anticipated to result in nonsense mediated decay, it is expected to disrupt the last 20 amino acids of the BRCA1 protein. This variant is not present in population databases (ExAC no frequency). This variant has been observed in individuals with breast and ovarian cancer (PMID: 29297111, 27082205, 3019930). ClinVar contains an entry for this variant (Variation ID: 1255953) with 1 submission. This variant affects the last 15 amino acids of the BRCT2 domain (residues 1646-1859) of BRCA1 which is important for its DNA repair activity (PMID: 11573086, 14576433, 15133503, 25652403). While this variant is expected to cause a structural change at the C-terminal end of the protein, functional studies have not been performed to test whether or not it affects protein function. In summary, the available evidence is currently insufficient to determine the role of this variant in disease. Therefore, it has been classified as a Variant of Uncertain Significance.

Literature cited by the submitters: PubMed 27082205 (cited by Mayo Clinic Laboratories, Mayo Clinic); PubMed 29297111 (cited by Mayo Clinic Laboratories, Mayo Clinic); PubMed 30199306 (cited by Mayo Clinic Laboratories, Mayo Clinic); PubMed 30274973 (cited by Mayo Clinic Laboratories, Mayo Clinic); PubMed 30825404 (cited by Mayo Clinic Laboratories, Mayo Clinic); PubMed 37306523 (cited by Mayo Clinic Laboratories, Mayo Clinic); PubMed 20104584 (cited by KCCC/NGS Laboratory, Kuwait Cancer Control Center).